The following is an entry in ClinVar:

ClinVar aggregate classification (germline): Uncertain significance. Review status: criteria provided, multiple submitters, no conflicts (2 of 4 stars). 7 submissions from 7 submitters: Uncertain significance (7). Last evaluated 2026-01-26.

Conditions:
BARD1-related disorder. Also called: BARD1-related condition.
Hereditary cancer-predisposing syndrome. Also called: Neoplastic Syndromes, Hereditary; Tumor predisposition; Hereditary Cancer Syndrome; Hereditary neoplastic syndrome. Identifiers: Orphanet 140162, MedGen C0027672, MeSH D009386, MONDO:0015356.
Familial cancer of breast. Also called: hereditary breast carcinoma; Hereditary breast cancer; BREAST CANCER, FAMILIAL. Identifiers: Orphanet 227535, MedGen C0346153, MONDO:0016419, OMIM 114480. Disease mechanism: loss of function.

Allele frequency attached by ClinVar (database versions not stated): TOPMed below 0.00001; gnomAD 0.00001.
gnomAD v4.1: 2 of 1,614,098 alleles (0.00012%); highest among the groups gnomAD compares: Non-Finnish European, 0.00017%; no homozygotes.

Submissions (7):

Labcorp Genetics (formerly Invitae), Labcorp
Classification: Uncertain significance for Familial cancer of breast. Last evaluated: 2026-01-26. Review status: criteria provided, single submitter. Criteria: Invitae Variant Classification Sherloc (09022015). Collection method: clinical testing. Allele origin: germline.
Comment: This sequence change replaces tyrosine, which is neutral and polar, with phenylalanine, which is neutral and non-polar, at codon 736 of the BARD1 protein (p.Tyr736Phe). This variant is not present in population databases (gnomAD no frequency). This variant has not been reported in the literature in individuals affected with BARD1-related conditions. ClinVar contains an entry for this variant (Variation ID: 127733). An algorithm developed to predict the effect of missense changes on protein structure and function (PolyPhen-2) suggests that this variant is likely to be disruptive. In summary, the available evidence is currently insufficient to determine the role of this variant in disease. Therefore, it has been classified as a Variant of Uncertain Significance.

PreventionGenetics, part of Exact Sciences
Classification: Uncertain significance for BARD1-related condition. Last evaluated: 2025-11-30. Review status: criteria provided, single submitter. Criteria: ACMG Guidelines, 2015. Collection method: clinical testing. Allele origin: germline.
Comment: The BARD1 c.2207A>T variant is predicted to result in the amino acid substitution p.Tyr736Phe. To our knowledge, this variant has not been reported in the literature or in a large population database (gnomAD), indicating this variant is rare. This variant is interpreted as uncertain in ClinVar (Variation ID: 127733). At this time, the clinical significance of this variant is uncertain due to the absence of conclusive functional and genetic evidence.

Ambry Genetics
Classification: Uncertain significance for Hereditary cancer-predisposing syndrome. Last evaluated: 2024-04-25. Review status: criteria provided, single submitter. Criteria: Ambry Variant Classification Scheme 2023. Collection method: clinical testing. Allele origin: germline.
Comment: The p.Y736F variant (also known as c.2207A>T), located in coding exon 11 of the BARD1 gene, results from an A to T substitution at nucleotide position 2207. The tyrosine at codon 736 is replaced by phenylalanine, an amino acid with highly similar properties. This amino acid position is highly conserved in available vertebrate species. In addition, this alteration is predicted to be tolerated by in silico analysis. Based on the available evidence, the clinical significance of this variant remains unclear.

Baylor Genetics
Classification: Uncertain significance for Familial cancer of breast. Last evaluated: 2024-02-21. Review status: criteria provided, single submitter. Criteria: ACMG Guidelines, 2015. Collection method: clinical testing. Allele origin: unknown.

Color Diagnostics, LLC DBA Color Health
Classification: Uncertain significance for Hereditary cancer-predisposing syndrome. Last evaluated: 2023-12-04. Review status: criteria provided, single submitter. Criteria: ACMG Guidelines, 2015. Collection method: clinical testing. Allele origin: germline.
Comment: This missense variant replaces tyrosine with phenylalanine at codon 736 of the BARD1 protein. Computational prediction suggests that this variant may not impact protein structure and function (internally defined REVEL score threshold <= 0.5, PMID: 27666373). To our knowledge, functional studies have not been reported for this variant. This variant has not been reported in individuals affected with BARD1-related disorders in the literature. This variant has not been identified in the general population by the Genome Aggregation Database (gnomAD). The available evidence is insufficient to determine the role of this variant in disease conclusively. Therefore, this variant is classified as a Variant of Uncertain Significance.

Quest Diagnostics Nichols Institute San Juan Capistrano
Classification: Uncertain significance. Last evaluated: 2018-09-13. Review status: criteria provided, single submitter. Criteria: Quest Diagnostics criteria. Collection method: clinical testing. Allele origin: germline.

GeneDx
Classification: Uncertain significance. Last evaluated: 2015-01-19. Review status: criteria provided, single submitter. Criteria: GeneDx Variant Classification (06012015). Collection method: clinical testing. Allele origin: germline. Affected: yes.
Comment: This variant is denoted BARD1 c.2207A>T at the cDNA level, p.Tyr736Phe (Y736F) at the protein level, and results in the change of a Tyrosine to a Phenylalanine (TAT>TTT). This variant has not, to our knowledge, been published in the literature as pathogenic or benign. BARD1 Tyr736Phe was not observed in approximately 6,500 individuals of European and African American ancestry in the NHLBI Exome Sequencing Project, indicating it is not a common benign variant in these populations. Since Tyrosine and Phenylalanine differ in polarity, charge, size or other properties, this is considered a non-conservative amino acid substitution. BARD1 Tyr736Phe occurs at a position that is highly conserved across species and is located within the BRCT2 domain (UniProt). In silico analyses are inconsistent regarding the effect this variant may have on protein structure and function. Based on currently available information, it is unclear whether BARD1 Tyr736Phe is pathogenic or benign. We consider it to be a variant of uncertain significance.

NM_000465.4(BARD1):c.2207A>T (p.Tyr736Phe)

Gene: BARD1 (BRCA1 associated RING domain 1; minus strand). Cytogenetic location: 2q35.
Variant type: single nucleotide variant.
Coding change: c.2207A>T on transcript NM_000465.4 (MANE Select); coding-DNA position 2207, A replaced by T.
Protein change: p.Tyr736Phe; replaces tyrosine 736 with phenylalanine.
Molecular consequence: missense variant. On other transcripts: non-coding transcript variant (3).
Genome position (GRCh38, 1-based): chr2:214,728,803, T>A on the plus strand (A>T on the coding strand, the complement: BARD1 is on the minus strand). VCF-style: chr2-214728803-T-A. GRCh37 (hg19) VCF-style: chr2-215593527-T-A.
Other names: p.Y736F:TAT>TTT; c.2150A>T, p.Tyr717Phe (NM_001282543.2); c.854A>T, p.Tyr285Phe (NM_001282545.2); c.797A>T, p.Tyr266Phe (NM_001282548.2); c.668A>T, p.Tyr223Phe (NM_001282549.2); short protein forms Y736F, Y285F, Y717F, Y223F, Y266F.
Identifiers: ClinVar variation 127733 (VCV000127733.26), dbSNP rs587780028, ClinGen allele CA331821.